The following is an entry in ClinVar:

NC_000006.11:g.(?_129419305)_(129749009_?)del

Gene: LAMA2 (laminin subunit alpha 2; plus strand). Cytogenetic location: 6q22.33.
Variant type: Deletion.
Identifiers: ClinVar variation 1459102 (VCV001459102.5).

ClinVar aggregate classification (germline): Pathogenic (1 of 4 stars; one submission).

Conditions:
LAMA2-related muscular dystrophy (LAMA2-RD). Also called: Laminin alpha 2-related dystrophy. Identifiers: MedGen C5679788, MONDO:0100228.

Submission:

Labcorp Genetics (formerly Invitae), Labcorp
Classification: Pathogenic for LAMA2-related muscular dystrophy. Last evaluated: 2022-02-01. Review status: criteria provided, single submitter. Criteria: Invitae Variant Classification Sherloc (09022015). Collection method: clinical testing. Allele origin: germline.
Comment: This variant is a gross deletion of the genomic region encompassing exon(s) 4-41 of the LAMA2 gene. This deletion is out-of-frame, and is expected to create a premature termination codon and result in an absent or disrupted protein product. Loss-of-function variants in LAMA2 are known to be pathogenic (PMID: 18700894, 32904964). This variant has not been reported in the literature in individuals affected with LAMA2-related conditions. For these reasons, this variant has been classified as Pathogenic.

Literature cited by the submitters: PubMed 18700894; PubMed 32904964.